The following is an entry in ClinVar:

ClinVar aggregate classification (germline): Pathogenic/Likely pathogenic. Review status: criteria provided, multiple submitters, no conflicts (2 of 4 stars). 4 submissions from 4 submitters: Pathogenic (3); Likely pathogenic (1). Last evaluated 2026-01-11.

Conditions:
Gaucher disease type I (GD1). Also called: GAUCHER DISEASE, NONCEREBRAL JUVENILE; GBA DEFICIENCY; GD I; GLUCOCEREBROSIDASE DEFICIENCY; ACID BETA-GLUCOSIDASE DEFICIENCY; Type 1 Gaucher Disease. Identifiers: Orphanet 355, Orphanet 77259, MedGen C1961835, MONDO:0009265, OMIM 230800.
Gaucher disease type II (GD2). Also called: GAUCHER DISEASE, ACUTE NEURONOPATHIC TYPE; GD II; Type 2 Gaucher disease (Acute; Infantile); Acute neuronopathic Gaucher's disease. Identifiers: Orphanet 77260, MedGen C0268250, MONDO:0009266, OMIM 230900.
Gaucher disease type III. Also called: GAUCHER DISEASE, CHRONIC NEURONOPATHIC TYPE; GAUCHER DISEASE, JUVENILE AND ADULT, CEREBRAL; GAUCHER DISEASE, SUBACUTE NEURONOPATHIC TYPE; GD III; Gaucher Disease, Type 3; Type 3 Gaucher disease (Subacute; Juvenile). Identifiers: Orphanet 355, Orphanet 77261, MedGen C0268251, MONDO:0009267, OMIM 231000.
Gaucher disease-ophthalmoplegia-cardiovascular calcification syndrome. Also called: GAUCHER DISEASE, TYPE IIIC. Identifiers: Orphanet 2072, MedGen C1856476, MONDO:0009268, OMIM 231005.
Gaucher disease. Also called: Acute cerebral Gaucher disease; Cerebroside lipidosis syndrome; Gaucher splenomegaly; Sphingolipidosis 1; Glucocerebrosidosis; Glucosylceramidase deficiency. Identifiers: Orphanet 355, MedGen C0017205, MONDO:0018150.
Gaucher disease perinatal lethal. Also called: Gaucher disease collodion type; Gaucher Disease, Perinatal-Lethal Form. Identifiers: Orphanet 85212, MedGen C1842704, MONDO:0011945, OMIM 608013.

Allele frequency attached by ClinVar (database versions not stated): gnomAD 0.00001; gnomAD exomes 0.00001; TOPMed 0.00002.
gnomAD v4.1: 11 of 1,614,020 alleles (0.00068%); highest among the groups gnomAD compares: African/African-American, 0.0027%; no homozygotes.

Submissions (4):

Labcorp Genetics (formerly Invitae), Labcorp
Classification: Pathogenic. Last evaluated: 2026-01-11. Review status: criteria provided, single submitter. Criteria: Invitae Variant Classification Sherloc (09022015). Collection method: clinical testing. Allele origin: germline.
Comment: This sequence change replaces arginine, which is basic and polar, with tryptophan, which is neutral and slightly polar, at codon 392 of the GBA protein (p.Arg392Trp). The frequency data for this variant in the population databases (gnomAD) is considered unreliable due to the presence of homologous sequence, such as pseudogenes or paralogs, in the genome. This missense change has been observed in individual(s) with Gaucher disease (PMID: 17196853, 31822786). This variant is also known as p.Arg353Trp. ClinVar contains an entry for this variant (Variation ID: 813336). Invitae Evidence Modeling of protein sequence and biophysical properties (such as structural, functional, and spatial information, amino acid conservation, physicochemical variation, residue mobility, and thermodynamic stability) indicates that this missense variant is not expected to disrupt GBA protein function with a negative predictive value of 80%. Experimental studies have shown that this missense change affects GBA function (PMID: 16293621). This variant disrupts the p.Arg392 amino acid residue in GBA. Other variant(s) that disrupt this residue have been determined to be pathogenic (PMID: 9650766; internal data). This suggests that this residue is clinically significant, and that variants that disrupt this residue are likely to be disease-causing. For these reasons, this variant has been classified as Pathogenic.

Natera, Inc.
Classification: Pathogenic for Gaucher disease. Last evaluated: 2025-08-05. Review status: criteria provided, single submitter. Criteria: Natera Variant Classification Schema (03/2026). Collection method: clinical testing. Allele origin: germline.
Comment: The c.1174C>T variant in GBA1 is a missense variant predicted to cause substitution of arginine to tryptophan at amino acid 392. This variant is rare in the general population with a frequency below the threshold expected for the associated phenotype(s). This variant has been observed in one or more individuals affected with the associated recessive disease, as either homozygous or compound heterozygous with a second variant (PMID: 17196853, 32165122). Additionally, this variant has been observed to segregate in affected family members (PMID: 17196853, 32165122). A different variant at the same position has been determined to be Pathogenic or Likely Pathogenic. Computational prediction algorithms indicate this variant is likely to affect gene or protein function. Given the available evidence, this variant is classified as Pathogenic.

Baylor Genetics
Classification: Pathogenic for Gaucher disease type I; Gaucher disease type II; Gaucher disease type III; Gaucher disease-ophthalmoplegia-cardiovascular calcification syndrome. Review status: criteria provided, single submitter. Criteria: ACMG Guidelines, 2015. Collection method: clinical testing. Allele origin: germline.

Juno Genomics, Hangzhou Juno Genomics, Inc
Classification: Likely pathogenic for Gaucher disease perinatal lethal; Gaucher disease type I; Gaucher disease type II; Gaucher disease type III; Gaucher disease-ophthalmoplegia-cardiovascular calcification syndrome. Review status: criteria provided, single submitter. Criteria: ACMG Guidelines, 2015. Collection method: clinical testing. Allele origin: germline. Affected: yes.
Comment: Absent from controls (or at extremely low frequency if recessive) in Genome Aggregation Database, Exome Sequencing Project, 1000 Genomes Project, or Exome Aggregation Consortium.;Multiple lines of computational evidence support a deleterious effect on the gene or gene product (conservation, evolutionary, splicing impact, etc).;For recessive disorders, detected in trans with a pathogenic variant.;Patient's phenotype or family history is highly specific for a disease with a single genetic etiology.

Literature cited by the submitters: PubMed 17196853 (cited by Labcorp Genetics (formerly Invitae), Labcorp and Natera, Inc.); PubMed 31822786 (cited by Labcorp Genetics (formerly Invitae), Labcorp); PubMed 16293621 (cited by Labcorp Genetics (formerly Invitae), Labcorp); PubMed 9650766 (cited by Labcorp Genetics (formerly Invitae), Labcorp); PubMed 32165122 (cited by Natera, Inc.).

NM_000157.4(GBA1):c.1174C>T (p.Arg392Trp)

Genes: GBA1 (glucosylceramidase beta 1; minus strand), LOC106627981 (GBA recombination region; plus strand). Cytogenetic location: 1q22.
Variant type: single nucleotide variant.
Coding change: c.1174C>T on transcript NM_000157.4 (MANE Select); coding-DNA position 1174, C replaced by T.
Protein change: p.Arg392Trp; replaces arginine 392 with tryptophan.
Molecular consequence: missense variant.
Genome position (GRCh38, 1-based): chr1:155,236,295, G>A on the plus strand (C>T on the coding strand, the complement: GBA1 is on the minus strand). VCF-style: chr1-155236295-G-A. GRCh37 (hg19) VCF-style: chr1-155206086-G-A.
Other names: c.1027C>T, p.Arg343Trp (NM_001171812.2); c.1174C>T (NM_000157.3); c.1174C>T, p.Arg392Trp (NM_001005741.3, NM_001005742.3); c.913C>T, p.Arg305Trp (NM_001171811.2); short protein forms R305W, R392W, R343W.
Identifiers: ClinVar variation 813336 (VCV000813336.5), dbSNP rs121908308, ClinGen allele CA342715091.
Genomic context (GRCh38, chr1:155,236,295, plus strand): 5'-GGTGGCTTACCGTGATGATGCTGTGGCTGTACTGCATCCCTCGATCCCAGGAGCCTAGCC[G>A]CACACTCTGCTCCCAGAACTTGGAGCCCACACAGGCCTCTGAGGCAAAGAGCATGGTGTT-3'
Protein context (NP_000148.2, residues 382-402): VGSKFWEQSV[Arg392Trp]LGSWDRGMQY